The following is an entry in ClinVar:

ClinVar aggregate classification (germline): Benign (1 of 4 stars; one submission).

Conditions:
Fleck corneal dystrophy (CFD). Also called: CORNEAL DYSTROPHY, FRANCOIS-NEETENS SPECKLED OR FLECKED. Identifiers: Orphanet 98970, MedGen C1562113, MONDO:0007376, OMIM 121850.

Allele frequency attached by ClinVar (database versions not stated): 1000 Genomes Project 0.00639; gnomAD 0.00700 and 0.00759; 1000 Genomes Project 30x 0.00765; TOPMed 0.00770.

Submission:

Illumina Laboratory Services, Illumina
Classification: Benign for Fleck corneal dystrophy. Last evaluated: 2018-01-13. Review status: criteria provided, single submitter. Criteria: ICSL Variant Classification Criteria 13 December 2019. Collection method: clinical testing. Allele origin: germline.
Comment: This variant was observed in the ICSL laboratory as part of a predisposition screen in an ostensibly healthy population. It had not been previously curated by ICSL or reported in the Human Gene Mutation Database (HGMD: prior to June 1st, 2018), and was therefore a candidate for classification through an automated scoring system. Utilizing variant allele frequency, disease prevalence and penetrance estimates, and inheritance mode, an automated score was calculated to assess if this variant is too frequent to cause the disease. Based on the score and internal cut-off values, a variant classified as benign is not then subjected to further curation. The score for this variant resulted in a classification of benign for this disease.

NM_015040.4(PIKFYVE):c.*1098A>G

Gene: PIKFYVE (phosphoinositide kinase, FYVE-type zinc finger containing; plus strand). Cytogenetic location: 2q34.
Variant type: single nucleotide variant.
Coding change: c.*1098A>G on transcript NM_015040.4 (MANE Select); 1098 bases downstream of the stop codon, A replaced by G.
Molecular consequence: 3 prime UTR variant.
Genome position (GRCh38, 1-based): chr2:208,356,403, A>G. VCF-style: chr2-208356403-A-G. GRCh37 (hg19) VCF-style: chr2-209221127-A-G.
Identifiers: ClinVar variation 333954 (VCV000333954.5), dbSNP rs147936107, ClinGen allele CA10613849.